The following is an entry in ClinVar:

NM_001042492.3(NF1):c.5480del (p.Ile1827fs)

Gene: NF1 (neurofibromin 1; plus strand). Cytogenetic location: 17q11.2.
Variant type: Deletion.
Coding change: c.5480del on transcript NM_001042492.3 (MANE Select); coding-DNA position 5480, one base deleted (T; older notation c.5480delT).
Protein change: p.Ile1827fs; shifts the reading frame from isoleucine 1827.
Molecular consequence: frameshift variant.
Genome position (GRCh38, 1-based): chr17:31,327,710, T deleted. VCF-style (leftmost placement, unchanged base first): chr17-31327709-AT-A. GRCh37 (hg19) VCF-style: chr17-29654727-AT-A.
Other names: c.5417del, p.Ile1806fs (NM_000267.4); short protein forms I1806fs, I1827fs.
Identifiers: ClinVar variation 4759241 (VCV004759241.1).

ClinVar aggregate classification (germline): Likely pathogenic (1 of 4 stars; one submission).

Conditions:
Neurofibromatosis, type 1 (NF1). Also called: VON RECKLINGHAUSEN DISEASE; Neurofibromatosis, type I; NEUROFIBROMATOSIS, TYPE I, SOMATIC; Peripheral type neurofibromatosis. Identifiers: Orphanet 636, MedGen C0027831, MONDO:0018975, OMIM 162200. Disease mechanism: loss of function.

Submission:

Variantyx, Inc.
Classification: Likely pathogenic for Neurofibromatosis, type 1. Last evaluated: 2025-03-24. Review status: criteria provided, single submitter. Criteria: Variantyx Assertion Criteria 2022. Collection method: clinical testing. Allele origin: maternal. Affected: yes.
Comment: This is a frameshift variant in the NF1 gene (OMIM: 613113). Pathogenic variants in this gene have been associated with autosomal dominant neurofibromatosis type 1. This variant introduces a premature termination codon in exon 38 out of 58. It is expected to result in loss of function, which is a known disease mechanism for NF1 in this disorder (PMID: 1757093, 1302608, 34427956, 34750850, 28230061) (PVS1). This variant is absent from control populations (PM2_Supporting). This variant has not been reported in individuals with NF1-related disorders in the databases available for review. Based on the current evidence, this variant is classified as likely pathogenic for autosomal dominant neurofibromatosis type 1.